The following is an entry in ClinVar:

NM_194277.3(FRMD7):c.1015T>A (p.Ser339Thr)

Gene: FRMD7 (FERM domain containing 7; minus strand). Cytogenetic location: Xq26.2.
Variant type: single nucleotide variant.
Coding change: c.1015T>A on transcript NM_194277.3 (MANE Select); coding-DNA position 1015, T replaced by A.
Protein change: p.Ser339Thr; replaces serine 339 with threonine.
Molecular consequence: missense variant.
Genome position (GRCh38, 1-based): chrX:132,080,041, A>T on the plus strand (T>A on the coding strand, the complement: FRMD7 is on the minus strand). VCF-style: chrX-132080041-A-T. GRCh37 (hg19) VCF-style: chrX-131214069-A-T.
Other names: c.970T>A, p.Ser324Thr (NM_001306193.2); short protein forms S324T, S339T.
Identifiers: ClinVar variation 1372848 (VCV001372848.8), dbSNP rs2124211963, ClinGen allele CA414680037.

ClinVar aggregate classification (germline): Uncertain significance (1 of 4 stars; one submission).

Allele frequency attached by ClinVar (database versions not stated): gnomAD exomes below 0.00001.
gnomAD v4.1: 1 of 1,203,348 alleles (0.000083%); highest among the groups gnomAD compares: South Asian, 0.0018%; no homozygotes.

Submission:

Labcorp Genetics (formerly Invitae), Labcorp
Classification: Uncertain significance. Last evaluated: 2022-09-06. Review status: criteria provided, single submitter. Criteria: Invitae Variant Classification Sherloc (09022015). Collection method: clinical testing. Allele origin: germline.
Comment: In summary, the available evidence is currently insufficient to determine the role of this variant in disease. Therefore, it has been classified as a Variant of Uncertain Significance. Algorithms developed to predict the effect of missense changes on protein structure and function (SIFT, PolyPhen-2, Align-GVGD) all suggest that this variant is likely to be tolerated. ClinVar contains an entry for this variant (Variation ID: 1372848). This variant has not been reported in the literature in individuals affected with FRMD7-related conditions. This variant is not present in population databases (gnomAD no frequency). This sequence change replaces serine, which is neutral and polar, with threonine, which is neutral and polar, at codon 339 of the FRMD7 protein (p.Ser339Thr).